The following is an entry in ClinVar:

ClinVar aggregate classification (germline): Uncertain significance. Review status: criteria provided, multiple submitters, no conflicts (2 of 4 stars). 2 submissions from 2 submitters: Uncertain significance (2). Last evaluated 2025-06-14.

Conditions:
Hereditary cancer-predisposing syndrome. Also called: Hereditary neoplastic syndrome; Neoplastic Syndromes, Hereditary; Tumor predisposition; Hereditary Cancer Syndrome. Identifiers: Orphanet 140162, MedGen C0027672, MeSH D009386, MONDO:0015356.
Oligodontia-cancer predisposition syndrome. Also called: TOOTH AGENESIS-COLORECTAL CANCER SYNDROME. Identifiers: Orphanet 300576, MedGen C1837750, MONDO:0012075, OMIM 608615. Disease mechanism: loss of function.

Allele frequency attached by ClinVar (database versions not stated): gnomAD exomes below 0.00001.
gnomAD v4.1: 1 of 1,606,634 alleles (0.000062%); highest among the groups gnomAD compares: Non-Finnish European, 0.000085%; no homozygotes.

Submissions (2):

Ambry Genetics
Classification: Uncertain significance for Hereditary cancer-predisposing syndrome. Last evaluated: 2025-06-14. Review status: criteria provided, single submitter. Criteria: Ambry Variant Classification Scheme 2023. Collection method: clinical testing. Allele origin: germline.
Comment: The p.R77W variant (also known as c.229C>T), located in coding exon 1 of the AXIN2 gene, results from a C to T substitution at nucleotide position 229. The arginine at codon 77 is replaced by tryptophan, an amino acid with dissimilar properties. This amino acid position is highly conserved in available vertebrate species. In addition, the in silico prediction for this alteration is inconclusive. Based on the available evidence, the clinical significance of this variant remains unclear.

Labcorp Genetics (formerly Invitae), Labcorp
Classification: Uncertain significance for Oligodontia-cancer predisposition syndrome. Last evaluated: 2024-04-30. Review status: criteria provided, single submitter. Criteria: Invitae Variant Classification Sherloc (09022015). Collection method: clinical testing. Allele origin: germline.
Comment: This sequence change replaces arginine, which is basic and polar, with tryptophan, which is neutral and slightly polar, at codon 77 of the AXIN2 protein (p.Arg77Trp). This variant is not present in population databases (gnomAD no frequency). This variant has not been reported in the literature in individuals affected with AXIN2-related conditions. ClinVar contains an entry for this variant (Variation ID: 947468). Advanced modeling of protein sequence and biophysical properties (such as structural, functional, and spatial information, amino acid conservation, physicochemical variation, residue mobility, and thermodynamic stability) performed at Invitae indicates that this missense variant is expected to disrupt AXIN2 protein function with a positive predictive value of 80%. In summary, the available evidence is currently insufficient to determine the role of this variant in disease. Therefore, it has been classified as a Variant of Uncertain Significance.

NM_004655.4(AXIN2):c.229C>T (p.Arg77Trp)

Gene: AXIN2 (axin 2; minus strand). Cytogenetic location: 17q24.1.
Variant type: single nucleotide variant.
Coding change: c.229C>T on transcript NM_004655.4 (MANE Select); coding-DNA position 229, C replaced by T.
Protein change: p.Arg77Trp; replaces arginine 77 with tryptophan.
Molecular consequence: missense variant.
Genome position (GRCh38, 1-based): chr17:65,558,392, G>A on the plus strand (C>T on the coding strand, the complement: AXIN2 is on the minus strand). VCF-style: chr17-65558392-G-A. GRCh37 (hg19) VCF-style: chr17-63554510-G-A.
Other names: c.229C>T, p.Arg77Trp (NM_001363813.1); short protein forms R77W.
Identifiers: ClinVar variation 947468 (VCV000947468.13), dbSNP rs2044306822, ClinGen allele CA400681857.